The following is an entry in ClinVar:

NM_001966.4(EHHADH):c.1654A>T (p.Lys552Ter)

Gene: EHHADH (enoyl-CoA hydratase and 3-hydroxyacyl CoA dehydrogenase; minus strand). Cytogenetic location: 3q27.2.
Variant type: single nucleotide variant.
Coding change: c.1654A>T on transcript NM_001966.4 (MANE Select); coding-DNA position 1654, A replaced by T.
Protein change: p.Lys552Ter; replaces lysine 552 with a stop codon.
Molecular consequence: nonsense.
Genome position (GRCh38, 1-based): chr3:185,192,744, T>A on the plus strand (A>T on the coding strand, the complement: EHHADH is on the minus strand). VCF-style: chr3-185192744-T-A. GRCh37 (hg19) VCF-style: chr3-184910532-T-A.
Other names: c.1366A>T, p.Lys456Ter (NM_001166415.2); short protein forms K456*, K552*.
Identifiers: ClinVar variation 3047148 (VCV003047148.2), dbSNP rs761352142, ClinGen allele CA2738939.
Genomic context (GRCh38, chr3:185,192,744, plus strand): 5'-CAAATCGTCCTAATTCACAGAGCACATCAGGAATTGGGCAGTACCTCCTATTACCCCTTT[T>A]TCGGGCAGGAGTTCCTGGAAGCAATGTAGGTCCAGTAAGACCTTGCCCCTTTCTAGATTT-3'

ClinVar aggregate classification (germline): Uncertain significance (0 of 4 stars; one submission).

Conditions:
EHHADH-related disorder. Also called: EHHADH-related condition.

Allele frequency attached by ClinVar (database versions not stated): ExAC 0.00001; TOPMed 0.00001; gnomAD 0.00002.
gnomAD v4.1: 11 of 1,613,978 alleles (0.00068%); highest among the groups gnomAD compares: Admixed American, 0.015%; no homozygotes.

Submission:

PreventionGenetics, part of Exact Sciences
Classification: Uncertain significance for EHHADH-related condition. Last evaluated: 2023-12-05. Review status: no assertion criteria provided. Collection method: clinical testing. Allele origin: germline.
Comment: The EHHADH c.1654A>T variant is predicted to result in premature protein termination (p.Lys552*). This variant is located in the last exon of EHHADH and is not predicted to undergo nonsense mediated decay. To our knowledge, this variant has not been reported in the literature. This variant is reported in 0.012% of alleles in individuals of Latino descent in gnomAD. Currently the clinical significance of premature protein truncating variants in EHHADH is uncertain. At this time, the clinical significance of this variant is uncertain due to the absence of conclusive functional and genetic evidence.